The following is an entry in ClinVar:

NM_001378454.1(ALMS1):c.8939T>A (p.Met2980Lys)

Gene: ALMS1 (ALMS1 centrosome and basal body associated protein; plus strand). Cytogenetic location: 2p13.1.
Variant type: single nucleotide variant.
Coding change: c.8939T>A on transcript NM_001378454.1 (MANE Select); coding-DNA position 8939, T replaced by A.
Protein change: p.Met2980Lys; replaces methionine 2980 with lysine.
Molecular consequence: missense variant.
Genome position (GRCh38, 1-based): chr2:73,490,898, T>A. VCF-style: chr2-73490898-T-A. GRCh37 (hg19) VCF-style: chr2-73718025-T-A.
Other names: c.8942T>A, p.Met2981Lys (NM_015120.4); short protein forms M2980K, M2981K.
Identifiers: ClinVar variation 1765192 (VCV001765192.2), dbSNP rs2466218479, ClinGen allele CA347271721.

ClinVar aggregate classification (germline): Uncertain significance (1 of 4 stars; one submission).

Conditions:
Cardiovascular phenotype. Identifiers: MedGen CN230736.

gnomAD v4.1: 1 of 1,613,858 alleles (0.000062%); highest among the groups gnomAD compares: Non-Finnish European, 0.000085%; no homozygotes.

Submission:

Ambry Genetics
Classification: Uncertain significance for Cardiovascular phenotype. Last evaluated: 2021-01-21. Review status: criteria provided, single submitter. Criteria: Ambry Variant Classification Scheme 2023. Collection method: clinical testing. Allele origin: germline.
Comment: The p.M2981K variant (also known as c.8942T>A), located in coding exon 10 of the ALMS1 gene, results from a T to A substitution at nucleotide position 8942. The methionine at codon 2981 is replaced by lysine, an amino acid with similar properties. This amino acid position is not well conserved in available vertebrate species, and lysine is the reference amino acid in other vertebrate species. In addition, this alteration is predicted to be tolerated by in silico analysis. Since supporting evidence is limited at this time, the clinical significance of this alteration remains unclear.